The following is an entry in ClinVar:

NM_001005361.3(DNM2):c.316G>A (p.Asp106Asn)

Gene: DNM2 (dynamin 2; plus strand). Cytogenetic location: 19p13.2.
Variant type: single nucleotide variant.
Coding change: c.316G>A on transcript NM_001005361.3 (MANE Select); coding-DNA position 316, G replaced by A.
Protein change: p.Asp106Asn; replaces aspartic acid 106 with asparagine.
Molecular consequence: missense variant.
Genome position (GRCh38, 1-based): chr19:10,772,559, G>A. VCF-style: chr19-10772559-G-A. GRCh37 (hg19) VCF-style: chr19-10883235-G-A.
Other names: p.Asp106Asn; c.316G>A, p.Asp106Asn (NM_001005360.3, NM_001005362.3, NM_001190716.2 and 1 more transcripts); short protein forms D106N.
Identifiers: ClinVar variation 246522 (VCV000246522.18), dbSNP rs375151459, ClinGen allele CA9200758.
Genomic context (GRCh38, chr19:10,772,559, plus strand): 5'-TGCAAGTCCAAAAAGTTTACAGACTTTGATGAAGTCCGGCAGGAGATTGAAGCAGAGACC[G>A]ACAGGGTCACGGGGACCAACAAAGGCATCTCCCCAGTGCCCATCAACCTTCGAGTCTACT-3'
Protein context (NP_001005361.1, residues 96-116): EVRQEIEAET[Asp106Asn]RVTGTNKGIS

ClinVar aggregate classification (germline): Conflicting classifications of pathogenicity. Review status: criteria provided, conflicting classifications (1 of 4 stars). 5 submissions from 5 submitters: Uncertain significance (1); Benign (1); Likely benign (3). Last evaluated 2026-07-21.

Conditions:
DNM2-related disorder. Also called: DNM2-related condition.
Inborn genetic diseases. Identifiers: MedGen C0950123, MeSH D030342.
Charcot-Marie-Tooth disease dominant intermediate B (CMTDIB). Also called: CHARCOT-MARIE-TOOTH NEUROPATHY, DOMINANT INTERMEDIATE B; Charcot-Marie-Tooth disease dominant intermediate 1; CMT DI1; Charcot-Marie-Tooth disease dominant intermediate I. Identifiers: Orphanet 100044, Orphanet 228179, MedGen C1847902, MONDO:0011674, OMIM 606482.

Allele frequency attached by ClinVar (database versions not stated): ESP Exome Variant Server 0.00008; gnomAD 0.00011; 1000 Genomes Project 30x 0.00016; 1000 Genomes Project 0.00020; TOPMed 0.00021.
gnomAD v4.1: 134 of 1,614,142 alleles (0.0083%); highest among the groups gnomAD compares: East Asian, 0.065%; 1 homozygote.

Submissions (5):

PreventionGenetics, part of Exact Sciences
Classification: Likely benign for DNM2-related condition. Last evaluated: 2026-07-21. Review status: criteria provided, single submitter. Criteria: ACMG Guidelines, 2015. Collection method: clinical testing. Allele origin: germline.
Comment: This variant is classified as likely benign based on ACMG/AMP sequence variant interpretation guidelines (Richards et al. 2015 PMID: 25741868, with internal and published modifications).

Labcorp Genetics (formerly Invitae), Labcorp
Classification: Likely benign for Charcot-Marie-Tooth disease dominant intermediate B. Last evaluated: 2026-01-27. Review status: criteria provided, single submitter. Criteria: Invitae Variant Classification Sherloc (09022015). Collection method: clinical testing. Allele origin: germline.

Mayo Clinic Laboratories, Mayo Clinic
Classification: Uncertain significance. Last evaluated: 2023-01-05. Review status: criteria provided, single submitter. Criteria: ACMG Guidelines, 2015. Collection method: clinical testing. Allele origin: germline. Observed: 1 variant allele.

GeneDx
Classification: Benign. Last evaluated: 2020-11-11. Review status: criteria provided, single submitter. Criteria: GeneDx Variant Classification Process June 2021. Collection method: clinical testing. Allele origin: germline. Affected: yes.
Comment: This variant is associated with the following publications: (PMID: 31571979)

Ambry Genetics
Classification: Likely benign for Inborn genetic diseases. Last evaluated: 2019-10-28. Review status: criteria provided, single submitter. Criteria: Ambry Variant Classification Scheme 2023. Collection method: clinical testing. Allele origin: germline.